The following is an entry in ClinVar:

NM_014363.6(SACS):c.3637T>C (p.Leu1213=)

Gene: SACS (sacsin molecular chaperone; minus strand). Cytogenetic location: 13q12.12.
Variant type: single nucleotide variant.
Coding change: c.3637T>C on transcript NM_014363.6 (MANE Select); coding-DNA position 3637, T replaced by C.
Protein change: p.Leu1213=; no amino-acid change (leucine 1213 retained).
Molecular consequence: synonymous variant.
Genome position (GRCh38, 1-based): chr13:23,340,239, A>G on the plus strand (T>C on the coding strand, the complement: SACS is on the minus strand). VCF-style: chr13-23340239-A-G. GRCh37 (hg19) VCF-style: chr13-23914378-A-G.
Other names: c.3637T>C (NM_014363.5); c.3196T>C, p.Leu1066= (NM_001278055.2).
Identifiers: ClinVar variation 1167598 (VCV001167598.31), dbSNP rs577638741, ClinGen allele CA6911494.
Genomic context (GRCh38, chr13:23,340,239, plus strand): 5'-CAACAACAATTTTAAAGTGTTTTAAGACAGCACTAAGGCTAGGTTTTGTGAAGATCCCTA[A>G]TGCTTTTTCCAGGTTTACATGGATACTTTCAACAAGAGGAAGTGAGGAGCCAATGAGAAT-3'
Protein context (NP_055178.3, residues 1203-1223): ESIHVNLEKA[Leu1213=]GIFTKPSLSA

ClinVar aggregate classification (germline): Conflicting classifications of pathogenicity. Review status: criteria provided, conflicting classifications (1 of 4 stars). 7 submissions from 7 submitters: Uncertain significance (1); Benign (1); Likely benign (2). 3 of the submissions do not count toward it. Last evaluated 2026-01-30.

Conditions:
Charlevoix-Saguenay spastic ataxia (SACS). Also called: Spastic ataxia of Charlevoix-Saguenay; AUTOSOMAL RECESSIVE SPASTIC ATAXIA OF CHARLEVOIX-SAGUENAY; SPASTIC ATAXIA 6, AUTOSOMAL RECESSIVE. Identifiers: Orphanet 98, MedGen C1849140, MONDO:0010041, OMIM 270550.
Hereditary spastic paraplegia. Also called: Familial spastic paraparesis. Identifiers: Orphanet 685, MedGen C0037773, MONDO:0019064. Disease mechanism: loss of function.
Spastic paraplegia. Identifiers: MedGen C0037772, HP:0001258.

Allele frequency attached by ClinVar (database versions not stated): TOPMed 0.00002; gnomAD 0.00010; gnomAD exomes 0.00020 and 0.00043; 1000 Genomes Project 0.00040; ExAC 0.00055; 1000 Genomes Project 30x 0.00062.
gnomAD v4.1: 305 of 1,611,062 alleles (0.019%); highest among the groups gnomAD compares: South Asian, 0.32%; 4 homozygotes.

Submissions (7):

Labcorp Genetics (formerly Invitae), Labcorp
Classification: Benign for Spastic paraplegia. Last evaluated: 2026-01-30. Review status: criteria provided, single submitter. Criteria: Invitae Variant Classification Sherloc (09022015). Collection method: clinical testing. Allele origin: germline.

CeGaT Center for Human Genetics Tuebingen
Classification: Likely benign. Last evaluated: 2025-03-01. Review status: criteria provided, single submitter. Criteria: CeGaT Center For Human Genetics Tuebingen Variant Classification Criteria Version 2. Collection method: clinical testing. Allele origin: germline. Affected: yes. Observed: 3 variant alleles.
Comment: SACS: BP4, BP7

Blueprint Genetics
Classification: Likely benign. Last evaluated: 2023-09-25. Review status: criteria provided, single submitter. Criteria: ACMG Guidelines, 2015. Collection method: clinical testing. Allele origin: germline.

Genome Diagnostics Laboratory, The Hospital for Sick Children
Classification: Uncertain significance for Hereditary spastic paraplegia. Last evaluated: 2016-12-12. Review status: criteria provided, single submitter. Criteria: ACMG Guidelines, 2015. Collection method: clinical testing. Allele origin: germline. Affected: yes.

Natera, Inc.
Classification: Likely benign for Charlevoix-Saguenay type spastic ataxia. Last evaluated: 2020-02-16. Review status: no assertion criteria provided. Collection method: clinical testing. Allele origin: germline. Not counted in ClinVar's aggregate classification.

Clinical Genetics DNA and cytogenetics Diagnostics Lab, Erasmus MC, Erasmus Medical Center
Classification: Likely benign. Review status: no assertion criteria provided. Collection method: clinical testing. Allele origin: germline. Affected: yes. Study: VKGL Data-share Consensus. Not counted in ClinVar's aggregate classification.

Joint Genome Diagnostic Labs from Nijmegen and Maastricht, Radboudumc and MUMC+
Classification: Benign. Review status: no assertion criteria provided. Collection method: clinical testing. Allele origin: germline. Affected: yes. Study: VKGL Data-share Consensus. Not counted in ClinVar's aggregate classification.